The following is an entry in ClinVar:

NM_138735.4(NRXN1):c.49GGC[7] (p.Gly17[7])

Gene: NRXN1 (neurexin 1; minus strand). Cytogenetic location: 2p16.3.
Variant type: Microsatellite.
Coding change: c.49GGC[7] on transcript NM_138735.4; seven copies in a row of the 3-base unit GGC starting at c.49.
Protein change: p.Gly17[7].
Molecular consequence: intron variant (on NM_001330078.2). On other transcripts: inframe deletion (4).
Genome position: GRCh38 VCF-style: chr2-50346870-GCGCCGCCGC-G. GRCh37 (hg19) VCF-style: chr2-50574008-GCGCCGCCGC-G.
Other names: c.71_79del9 (NM_001330097.1); c.50GCG[7], p.Gly24_Gly26del (NM_001330091.2, NM_001330092.2, NM_001330097.2 and 1 more transcripts); c.3254-109930GCG[7] (NM_001330096.2, NM_001330087.2); c.3299-109930GCG[7] (NM_001330083.2, NM_001330084.2); c.3284-109930GCG[7] (NM_001330088.2); c.3362-109930GCG[7] (NM_001330093.2); c.3353-109930GCG[7] (NM_001330094.2); c.3314-109930GCG[7] (NM_001330095.2); and 4 more.
Identifiers: ClinVar variation 281242 (VCV000281242.35), dbSNP rs750165040, ClinGen allele CA1654564.

ClinVar aggregate classification (germline): Benign/Likely benign. Review status: criteria provided, multiple submitters, no conflicts (2 of 4 stars). 5 submissions from 5 submitters: Benign (3); Likely benign (1). 1 of the submissions does not count toward it. Last evaluated 2026-09-01.

Conditions:
Inborn genetic diseases. Identifiers: MedGen C0950123, MeSH D030342.
NRXN1-related disorder.

Submissions (5):

CeGaT Center for Human Genetics Tuebingen
Classification: Likely benign. Last evaluated: 2026-09-01. Review status: criteria provided, single submitter. Criteria: CeGaT Center For Human Genetics Tuebingen Variant Classification Criteria Version 2. Collection method: clinical testing. Allele origin: germline. Affected: yes. Observed: 9 variant alleles.
Comment: NRXN1: BS2

Ambry Genetics
Classification: Benign for Inborn genetic diseases. Last evaluated: 2017-09-20. Review status: criteria provided, single submitter. Criteria: Ambry Variant Classification Scheme 2023. Collection method: clinical testing. Allele origin: germline.

Eurofins Ntd Llc (ga)
Classification: Benign. Last evaluated: 2017-08-11. Review status: criteria provided, single submitter. Criteria: EGL Classification Definitions 2015. Collection method: clinical testing. Allele origin: germline. Observed: 3 variant alleles, 1 heterozygote.

GeneDx
Classification: Benign. Last evaluated: 2015-03-03. Review status: criteria provided, single submitter. Criteria: GeneDx Variant Classification Process June 2021. Collection method: clinical testing. Allele origin: germline. Affected: yes.

PreventionGenetics, part of Exact Sciences
Classification: Likely benign for NRXN1-related condition. Last evaluated: 2019-10-14. Review status: no assertion criteria provided. Collection method: clinical testing. Allele origin: germline. Not counted in ClinVar's aggregate classification.
Comment: This variant is classified as likely benign based on ACMG/AMP sequence variant interpretation guidelines (Richards et al. 2015 PMID: 25741868, with internal and published modifications).